The following is an entry in ClinVar:

ClinVar aggregate classification (germline): Conflicting classifications of pathogenicity. Review status: criteria provided, conflicting classifications (1 of 4 stars). 3 submissions from 3 submitters: Likely pathogenic (2); Uncertain significance (1). Last evaluated 2024-10-30.

Conditions:
Cardiovascular phenotype. Identifiers: MedGen CN230736.
Telangiectasia, hereditary hemorrhagic, type 2 (HHT2). Also called: ACVRL1-Related Hereditary Hemorrhagic Telangiectasia; Telangiectasia, hereditary hemorrhagic, type II. Identifiers: Orphanet 774, MedGen C1838163, MONDO:0010880, OMIM 600376. Disease mechanism: loss of function.

Submissions (3):

GeneDx
Classification: Uncertain significance. Last evaluated: 2024-10-30. Review status: criteria provided, single submitter. Criteria: GeneDx Variant Classification Process June 2021. Collection method: clinical testing. Allele origin: germline. Affected: yes.
Comment: Not observed at significant frequency in large population cohorts (gnomAD); In silico analysis supports that this missense variant has a deleterious effect on protein structure/function; This variant is associated with the following publications: (PMID: 15712271)

Labcorp Genetics (formerly Invitae), Labcorp
Classification: Likely pathogenic for Telangiectasia, hereditary hemorrhagic, type 2. Last evaluated: 2022-11-29. Review status: criteria provided, single submitter. Criteria: Invitae Variant Classification Sherloc (09022015). Collection method: clinical testing. Allele origin: germline.
Comment: This sequence change replaces serine, which is neutral and polar, with phenylalanine, which is neutral and non-polar, at codon 284 of the ACVRL1 protein (p.Ser284Phe). This variant is not present in population databases (gnomAD no frequency). This missense change has been observed in individuals with hereditary hemorrhagic telangiectasia (PMID: 15712271; Invitae). ClinVar contains an entry for this variant (Variation ID: 533346). Advanced modeling of protein sequence and biophysical properties (such as structural, functional, and spatial information, amino acid conservation, physicochemical variation, residue mobility, and thermodynamic stability) performed at Invitae indicates that this missense variant is expected to disrupt ACVRL1 protein function. In summary, the currently available evidence indicates that the variant is pathogenic, but additional data are needed to prove that conclusively. Therefore, this variant has been classified as Likely Pathogenic.

Ambry Genetics
Classification: Likely pathogenic for Cardiovascular phenotype. Last evaluated: 2021-09-03. Review status: criteria provided, single submitter. Criteria: Ambry Variant Classification Scheme 2023. Collection method: clinical testing. Allele origin: germline.
Comment: The p.S284F variant (also known as c.851C>T), located in coding exon 6 of the ACVRL1 gene, results from a C to T substitution at nucleotide position 851. The serine at codon 284 is replaced by phenylalanine, an amino acid with highly dissimilar properties. This variant was identified in a family with epistaxis, telangiectasias, gastrointestinal bleeding, and hepatic shunting (Abdalla SA et al. Hum. Mutat., 2005 Mar;25:320-1). In addition, this alteration is predicted to be deleterious by in silico analysis. Based on the majority of available evidence to date, this variant is likely to be pathogenic.

Literature cited by the submitters: PubMed 15712271 (cited by Labcorp Genetics (formerly Invitae), Labcorp and Ambry Genetics).

NM_000020.3(ACVRL1):c.851C>T (p.Ser284Phe)

Gene: ACVRL1 (activin A receptor like type 1; plus strand). Cytogenetic location: 12q13.13.
Variant type: single nucleotide variant.
Coding change: c.851C>T on transcript NM_000020.3 (MANE Select); coding-DNA position 851, C replaced by T.
Protein change: p.Ser284Phe; replaces serine 284 with phenylalanine.
Molecular consequence: missense variant.
Genome position (GRCh38, 1-based): chr12:51,915,303, C>T. VCF-style: chr12-51915303-C-T. GRCh37 (hg19) VCF-style: chr12-52309087-C-T.
Other names: c.851C>T, p.Ser284Phe (NM_001077401.2); short protein forms S284F.
Identifiers: ClinVar variation 533346 (VCV000533346.14), dbSNP rs768643771, ClinGen allele CA384900555.
Genomic context (GRCh38, chr12:51,915,303, plus strand): 5'-TGACCTCCCGCAACTCGAGCACGCAGCTGTGGCTCATCACGCACTACCACGAGCACGGCT[C>T]CCTCTACGACTTTCTGCAGAGACAGACGCTGGAGCCCCATCTGGCTCTGAGGCTAGCTGT-3'
Protein context (NP_000011.2, residues 274-294): WLITHYHEHG[Ser284Phe]LYDFLQRQTL